The following is an entry in ClinVar:

ClinVar aggregate classification (germline): Pathogenic (1 of 4 stars; one submission).

Conditions:
Intellectual developmental disorder, autosomal recessive 61. Also called: ALWADEI SYNDROME; MENTAL RETARDATION, AUTOSOMAL RECESSIVE 61; Intellectual disability, autosomal recessive 61. Identifiers: MedGen C4540424, MONDO:0030915, OMIM 617773.

Submission:

Women's Health and Genetics/Laboratory Corporation of America, LabCorp
Classification: Pathogenic for Intellectual developmental disorder, autosomal recessive 61. Last evaluated: 2024-04-12. Review status: criteria provided, single submitter. Criteria: LabCorp Variant Classification Summary - May 2015. Collection method: clinical testing. Allele origin: germline.
Comment: Variant summary: RUSC2 c.4227G>A (p.Trp1409X) results in a premature termination codon, predicted to cause a truncation of the encoded protein or absence of the protein due to nonsense mediated decay, which are commonly known mechanisms for disease. The variant was absent in 250566 control chromosomes (gnomAD). To our knowledge, no occurrence of c.4227G>A in individuals affected with Intellectual Disability, Autosomal Recessive 61 and no experimental evidence demonstrating its impact on protein function have been reported. No submitters have cited clinical-significance assessments for this variant to ClinVar. Based on the evidence outlined above, the variant was classified as pathogenic.

NM_014806.5(RUSC2):c.4227G>A (p.Trp1409Ter)

Gene: RUSC2 (RUN and SH3 domain containing 2; plus strand). Cytogenetic location: 9p13.3.
Variant type: single nucleotide variant.
Coding change: c.4227G>A on transcript NM_014806.5 (MANE Select); coding-DNA position 4227, G replaced by A.
Protein change: p.Trp1409Ter; replaces tryptophan 1409 with a stop codon.
Molecular consequence: nonsense. On other transcripts: non-coding transcript variant (1).
Genome position (GRCh38, 1-based): chr9:35,560,975, G>A. VCF-style: chr9-35560975-G-A. GRCh37 (hg19) VCF-style: chr9-35560972-G-A.
Other names: c.4227G>A, p.Trp1409Ter (NM_001135999.2); c.1593G>A, p.Trp531Ter (NM_001330740.2); short protein forms W1409*, W531*.
Identifiers: ClinVar variation 3251326 (VCV003251326.1), dbSNP rs1289887836.